The following is an entry in ClinVar:

NM_032578.4(MYPN):c.3593T>G (p.Met1198Arg)

Gene: MYPN (myopalladin; plus strand). Cytogenetic location: 10q21.3.
Variant type: single nucleotide variant.
Coding change: c.3593T>G on transcript NM_032578.4 (MANE Select); coding-DNA position 3593, T replaced by G.
Protein change: p.Met1198Arg; replaces methionine 1198 with arginine.
Molecular consequence: missense variant. On other transcripts: non-coding transcript variant (2).
Genome position (GRCh38, 1-based): chr10:68,201,928, T>G. VCF-style: chr10-68201928-T-G. GRCh37 (hg19) VCF-style: chr10-69961685-T-G.
Other names: c.3593T>G, p.Met1198Arg (NM_001256267.2); c.2711T>G, p.Met904Arg (NM_001256268.2); short protein forms M1198R, M904R.
Identifiers: ClinVar variation 3402039 (VCV003402039.1).

ClinVar aggregate classification (germline): Uncertain significance (1 of 4 stars; one submission).

Conditions:
Cardiovascular phenotype. Identifiers: MedGen CN230736.

Submission:

Ambry Genetics
Classification: Uncertain significance for Cardiovascular phenotype. Last evaluated: 2024-09-20. Review status: criteria provided, single submitter. Criteria: Ambry Variant Classification Scheme 2023. Collection method: clinical testing. Allele origin: germline.
Comment: The p.M1198R variant (also known as c.3593T>G), located in coding exon 17 of the MYPN gene, results from a T to G substitution at nucleotide position 3593. The methionine at codon 1198 is replaced by arginine, an amino acid with similar properties. This amino acid position is conserved. In addition, this alteration is predicted to be deleterious by in silico analysis. Based on the available evidence, the clinical significance of this variant remains unclear.